The following is an entry in ClinVar:

NM_007327.4(GRIN1):c.909C>G (p.Asp303Glu)

Gene: GRIN1 (glutamate ionotropic receptor NMDA type subunit 1; plus strand). Cytogenetic location: 9q34.3.
Variant type: single nucleotide variant.
Coding change: c.909C>G on transcript NM_007327.4 (MANE Select); coding-DNA position 909, C replaced by G.
Protein change: p.Asp303Glu; replaces aspartic acid 303 with glutamic acid.
Molecular consequence: missense variant.
Genome position (GRCh38, 1-based): chr9:137,156,978, C>G. VCF-style: chr9-137156978-C-G. GRCh37 (hg19) VCF-style: chr9-140051430-C-G.
Other names: c.909C>G, p.Asp303Glu (NM_000832.7, NM_021569.4); c.972C>G, p.Asp324Glu (NM_001185090.2, NM_001185091.2); short protein forms D303E, D324E.
Identifiers: ClinVar variation 3667356 (VCV003667356.2).

ClinVar aggregate classification (germline): Uncertain significance (1 of 4 stars; one submission).

Conditions:
Neurodevelopmental disorder with or without hyperkinetic movements and seizures, autosomal dominant. Also called: Intellectual disability, autosomal dominant 8. Identifiers: MedGen C3280282, MONDO:0013655, OMIM 614254.

Submission:

Labcorp Genetics (formerly Invitae), Labcorp
Classification: Uncertain significance for Neurodevelopmental disorder with or without hyperkinetic movements and seizures, autosomal dominant. Last evaluated: 2024-07-19. Review status: criteria provided, single submitter. Criteria: Invitae Variant Classification Sherloc (09022015). Collection method: clinical testing. Allele origin: germline.
Comment: This sequence change replaces aspartic acid, which is acidic and polar, with glutamic acid, which is acidic and polar, at codon 303 of the GRIN1 protein (p.Asp303Glu). This variant is not present in population databases (gnomAD no frequency). This variant has not been reported in the literature in individuals affected with GRIN1-related conditions. Advanced modeling of protein sequence and biophysical properties (such as structural, functional, and spatial information, amino acid conservation, physicochemical variation, residue mobility, and thermodynamic stability) has been performed at Invitae for this missense variant, however the output from this modeling did not meet the statistical confidence thresholds required to predict the impact of this variant on GRIN1 protein function. In summary, the available evidence is currently insufficient to determine the role of this variant in disease. Therefore, it has been classified as a Variant of Uncertain Significance.